The following is an entry in ClinVar:

NM_002087.4(GRN):c.1544G>C (p.Gly515Ala)

Gene: GRN (granulin precursor; plus strand). Cytogenetic location: 17q21.31.
Variant type: single nucleotide variant.
Coding change: c.1544G>C on transcript NM_002087.4 (MANE Select); coding-DNA position 1544, G replaced by C.
Protein change: p.Gly515Ala; replaces glycine 515 with alanine.
Molecular consequence: missense variant.
Genome position (GRCh38, 1-based): chr17:44,352,471, G>C. VCF-style: chr17-44352471-G-C. GRCh37 (hg19) VCF-style: chr17-42429839-G-C.
Other names: short protein forms G515A.
Identifiers: ClinVar variation 98189 (VCV000098189.90), dbSNP rs25647, ClinGen allele CA225364.

ClinVar aggregate classification (germline): Benign/Likely benign. Review status: criteria provided, multiple submitters, no conflicts (2 of 4 stars). 13 submissions from 13 submitters: Benign (6); Likely benign (4). 3 of the submissions do not count toward it. Last evaluated 2026-02-01.

Conditions:
Inborn genetic diseases. Identifiers: MedGen C0950123, MeSH D030342.
GRN-related frontotemporal lobar degeneration with Tdp43 inclusions (FTD2). Also called: GRN Frontotemporal Dementia; FRONTOTEMPORAL LOBAR DEGENERATION WITH UBIQUITIN-POSITIVE INCLUSIONS; FTLD-TDP, GRN-RELATED; FRONTOTEMPORAL DEMENTIA WITH TDP43 INCLUSIONS, GRN-RELATED; DEMENTIA, HEREDITARY DYSPHASIC DISINHIBITION. Identifiers: Orphanet 100070, Orphanet 282, MedGen C1843792, MONDO:0011842, OMIM 607485. Disease mechanism: loss of function.
Neuronal ceroid lipofuscinosis 11. Also called: GRN-Related Neuronal Ceroid-Lipofuscinosis. Identifiers: Orphanet 314629, Orphanet 79262, MedGen C3539123, MONDO:0013866, OMIM 614706.

Allele frequency attached by ClinVar (database versions not stated): TOPMed 0.00881; ESP Exome Variant Server 0.01015; gnomAD exomes 0.00225; ExAC 0.00268; 1000 Genomes Project 30x 0.00453; 1000 Genomes Project 0.00539; gnomAD 0.00781.
gnomAD v4.1: 2,769 of 1,614,046 alleles (0.17%); highest among the groups gnomAD compares: African/African-American, 2.8%; 43 homozygotes.

Submissions (13):

CeGaT Center for Human Genetics Tuebingen
Classification: Benign. Last evaluated: 2026-02-01. Review status: criteria provided, single submitter. Criteria: CeGaT Center For Human Genetics Tuebingen Variant Classification Criteria Version 2. Collection method: clinical testing. Allele origin: germline. Affected: yes. Observed: 3 variant alleles.
Comment: GRN: BP4, BS1, BS2

Labcorp Genetics (formerly Invitae), Labcorp
Classification: Benign for Neuronal ceroid lipofuscinosis 11; GRN-related frontotemporal lobar degeneration with Tdp43 inclusions. Last evaluated: 2026-02-01. Review status: criteria provided, single submitter. Criteria: Invitae Variant Classification Sherloc (09022015). Collection method: clinical testing. Allele origin: germline.

Mayo Clinic Laboratories, Mayo Clinic
Classification: Benign. Last evaluated: 2024-12-26. Review status: criteria provided, single submitter. Criteria: ACMG Guidelines, 2015. Collection method: clinical testing. Allele origin: germline. Observed: 8 variant alleles.
Comment: BA1, BS2, BP4_moderate

Blueprint Genetics
Classification: Likely benign. Last evaluated: 2024-11-01. Review status: criteria provided, single submitter. Criteria: ACMG Guidelines, 2015. Collection method: clinical testing. Allele origin: germline.

Fulgent Genetics
Classification: Likely benign for GRN-related frontotemporal lobar degeneration with Tdp43 inclusions; Neuronal ceroid lipofuscinosis 11. Last evaluated: 2021-08-25. Review status: criteria provided, single submitter. Criteria: ACMG Guidelines, 2015. Collection method: clinical testing. Allele origin: unknown.

GeneDx
Classification: Benign. Last evaluated: 2020-03-06. Review status: criteria provided, single submitter. Criteria: GeneDx Variant Classification Process June 2021. Collection method: clinical testing. Allele origin: germline. Affected: yes.
Comment: This variant is associated with the following publications: (PMID: 22312439, 23759146, 27884173, 18565828)

Athena Diagnostics
Classification: Benign for GRN-related frontotemporal lobar degeneration with Tdp43 inclusions. Last evaluated: 2017-06-23. Review status: criteria provided, single submitter. Criteria: Athena Diagnostics Criteria. Collection method: clinical testing. Allele origin: germline.

Illumina Laboratory Services, Illumina
Classification: Likely benign for GRN-related frontotemporal lobar degeneration with Tdp43 inclusions. Last evaluated: 2017-04-27. Review status: criteria provided, single submitter. Criteria: ICSL Variant Classification Criteria 13 December 2019. Collection method: clinical testing. Allele origin: germline.
Comment: This variant was observed as part of a predisposition screen in an ostensibly healthy population. A literature search was performed for the gene, cDNA change, and amino acid change (where applicable). Publications were found based on this search. The evidence from the literature, in combination with allele frequency data from public databases where available, was sufficient to determine this variant is unlikely to cause disease. Therefore, this variant is classified as likely benign.

Ambry Genetics
Classification: Benign for Inborn genetic diseases. Last evaluated: 2016-04-18. Review status: criteria provided, single submitter. Criteria: Ambry Variant Classification Scheme 2023. Collection method: clinical testing. Allele origin: germline.

Breakthrough Genomics
Classification: Likely benign. Review status: criteria provided, single submitter. Criteria: ACMG Guidelines, 2015. Collection method: not provided. Allele origin: germline. Inheritance: Autosomal recessive inheritance. Affected: yes.

Clinical Genetics DNA and cytogenetics Diagnostics Lab, Erasmus MC, Erasmus Medical Center
Classification: Benign. Review status: no assertion criteria provided. Collection method: clinical testing. Allele origin: germline. Affected: yes. Study: VKGL Data-share Consensus. Not counted in ClinVar's aggregate classification.

Genome Diagnostics Laboratory, Amsterdam University Medical Center
Classification: Likely benign. Review status: no assertion criteria provided. Collection method: clinical testing. Allele origin: germline. Affected: yes. Study: VKGL Data-share Consensus. Not counted in ClinVar's aggregate classification.

VIB  Department of Molecular Genetics, University of Antwerp
No classification provided. Review status: no classification provided. Collection method: not provided. Allele origin: unknown. Not counted in ClinVar's aggregate classification.

Literature cited by the submitters: PubMed 16950801 (cited by Athena Diagnostics); PubMed 17345602 (cited by Athena Diagnostics); PubMed 18565828 (cited by Athena Diagnostics); PubMed 20020531 (cited by Athena Diagnostics and Illumina Laboratory Services, Illumina); PubMed 23759146 (cited by Athena Diagnostics); PubMed 22312439 (cited by Athena Diagnostics and Illumina Laboratory Services, Illumina); PubMed 27884173 (cited by Athena Diagnostics); PubMed 20142524 (cited by Athena Diagnostics and Illumina Laboratory Services, Illumina).